The following is an entry in ClinVar:

NM_000295.5(SERPINA1):c.927C>T (p.Ser309=)

Gene: SERPINA1 (serpin family A member 1; minus strand). Cytogenetic location: 14q32.13.
Variant type: single nucleotide variant.
Coding change: c.927C>T on transcript NM_000295.5 (MANE Select); coding-DNA position 927, C replaced by T.
Protein change: p.Ser309=; no amino-acid change (serine 309 retained).
Molecular consequence: synonymous variant.
Genome position (GRCh38, 1-based): chr14:94,379,602, G>A on the plus strand (C>T on the coding strand, the complement: SERPINA1 is on the minus strand). VCF-style: chr14-94379602-G-A. GRCh37 (hg19) VCF-style: chr14-94845939-G-A.
Other names: c.927C>T, p.Ser309= (NM_001002235.3, NM_001002236.3, NM_001127700.2 and 7 more transcripts).
Identifiers: ClinVar variation 3033678 (VCV003033678.2), dbSNP rs1404482666, ClinGen allele CA487621525.

ClinVar aggregate classification (germline): Likely benign (0 of 4 stars; one submission).

Conditions:
SERPINA1-related disorder. Also called: SerpinA1-related disorders; SERPINA1-related condition.

gnomAD v4.1: 4 of 1,613,620 alleles (0.00025%); highest among the groups gnomAD compares: Non-Finnish European, 0.00034%; no homozygotes.

Submission:

PreventionGenetics, part of Exact Sciences
Classification: Likely benign for SERPINA1-related condition. Last evaluated: 2021-03-23. Review status: no assertion criteria provided. Collection method: clinical testing. Allele origin: germline.
Comment: This variant is classified as likely benign based on ACMG/AMP sequence variant interpretation guidelines (Richards et al. 2015 PMID: 25741868, with internal and published modifications).